The following is an entry in ClinVar:

ClinVar aggregate classification (germline): Benign (1 of 4 stars; one submission).

Conditions:
Hereditary factor VIII deficiency disease (HEMA). Also called: AUTOSOMAL HEMOPHILIA A; Hemophilia A, congenital; HEM A; Factor 8 deficiency, congenital; HEMOPHILIA, CLASSIC; Hemophilia A. Identifiers: Orphanet 98878, MedGen C0019069, MONDO:0010602, OMIM 306700.

Allele frequency attached by ClinVar (database versions not stated): gnomAD below 0.00001 and 0.00025; TOPMed 0.00002; gnomAD exomes 0.00053 and 0.00113; ExAC 0.00120; 1000 Genomes Project 30x 0.00125; 1000 Genomes Project 0.00132.

Submission:

Broad Center for Mendelian Genomics, Broad Institute of MIT and Harvard
Classification: Benign for Hereditary factor VIII deficiency disease. Review status: criteria provided, single submitter. Criteria: ACMG Guidelines, 2015. Collection method: research. Allele origin: germline. Inheritance: X-linked inheritance. Affected: yes.
Comment: In summary, this variant meets criteria to be classified as benign for X-linked recessive haemophilia.

Literature cited by the submitters: PubMed 15710596.

NM_000132.4(F8):c.1443+18T>G

Gene: F8 (coagulation factor VIII; minus strand). Cytogenetic location: Xq28.
Variant type: single nucleotide variant.
Coding change: c.1443+18T>G on transcript NM_000132.4 (MANE Select); 18 bases into the intron after coding-DNA position 1443, T replaced by G.
Molecular consequence: intron variant.
Genome position (GRCh38, 1-based): chrX:154,965,952, A>C on the plus strand (T>G on the coding strand, the complement: F8 is on the minus strand). VCF-style: chrX-154965952-A-C. GRCh37 (hg19) VCF-style: chrX-154194227-A-C.
Identifiers: ClinVar variation 979157 (VCV000979157.1), dbSNP rs782583179, ClinGen allele CA10568460.